The following is an entry in ClinVar:

ClinVar aggregate classification (germline): Uncertain significance (1 of 4 stars; one submission).

Conditions:
Hereditary cancer-predisposing syndrome. Also called: Neoplastic Syndromes, Hereditary; Hereditary Cancer Syndrome; Hereditary neoplastic syndrome; Tumor predisposition. Identifiers: Orphanet 140162, MedGen C0027672, MeSH D009386, MONDO:0015356.

Submission:

Ambry Genetics
Classification: Uncertain significance for Hereditary cancer-predisposing syndrome. Last evaluated: 2023-04-06. Review status: criteria provided, single submitter. Criteria: Ambry Variant Classification Scheme 2023. Collection method: clinical testing. Allele origin: germline.
Comment: The p.V1154I variant (also known as c.3460G>A) is located in coding exon 29 of the POLE gene. The valine at codon 1154 is replaced by isoleucine, an amino acid with highly similar properties. This change occurs in the first base pair of coding exon 29. This amino acid position is conserved. In addition, this alteration is predicted to be tolerated by in silico analysis. Since supporting evidence is limited at this time, the clinical significance of this alteration remains unclear.

NM_006231.4(POLE):c.3460G>A (p.Val1154Ile)

Gene: POLE (DNA polymerase epsilon, catalytic subunit; minus strand). Cytogenetic location: 12q24.33.
Variant type: single nucleotide variant.
Coding change: c.3460G>A on transcript NM_006231.4 (MANE Select); coding-DNA position 3460, G replaced by A.
Protein change: p.Val1154Ile; replaces valine 1154 with isoleucine.
Molecular consequence: missense variant.
Genome position (GRCh38, 1-based): chr12:132,657,258, C>T on the plus strand (G>A on the coding strand, the complement: POLE is on the minus strand). VCF-style: chr12-132657258-C-T. GRCh37 (hg19) VCF-style: chr12-133233844-C-T.
Other names: short protein forms V1154I.
Identifiers: ClinVar variation 2561541 (VCV002561541.2), dbSNP rs2138657834, ClinGen allele CA387388853.